The following is an entry in ClinVar:

NM_020320.5(RARS2):c.638del (p.Ala213fs)

Gene: RARS2 (arginyl-tRNA synthetase 2, mitochondrial; minus strand). Cytogenetic location: 6q15.
Variant type: Deletion.
Coding change: c.638del on transcript NM_020320.5 (MANE Select); coding-DNA position 638, one base deleted (C; older notation c.638delC).
Protein change: p.Ala213fs; shifts the reading frame from alanine 213.
Molecular consequence: frameshift variant. On other transcripts: non-coding transcript variant (23).
Genome position (GRCh38, 1-based): chr6:87,530,917, G deleted on the plus strand (C on the coding strand, the reverse complement: RARS2 is on the minus strand). VCF-style (leftmost placement, unchanged base first): chr6-87530916-TG-T. GRCh37 (hg19) VCF-style: chr6-88240634-TG-T.
Other names: c.113del, p.Ala38fs (NM_001318785.2, NM_001350506.2, NM_001350507.2 and 4 more transcripts); c.638del, p.Ala213fs (NM_001350505.2); short protein forms A213fs, A38fs.
Identifiers: ClinVar variation 2021409 (VCV002021409.4), dbSNP rs2483596451, ClinGen allele CA2580075970.
Genomic context (GRCh38, chr6:87,530,916, plus strand): 5'-GCCCAGTTCCAATCGTTGGAAGAACTCCTGTGCTGCTTTTGCTACACTTTTATCATCTGC[TG>T]CTTCTTTATTAACTTGTACATAAACCTAAAAGTACAATAGTACATTAAATGAAGTACATA-3'

ClinVar aggregate classification (germline): Pathogenic (1 of 4 stars; one submission).

Submission:

Labcorp Genetics (formerly Invitae), Labcorp
Classification: Pathogenic. Last evaluated: 2022-08-04. Review status: criteria provided, single submitter. Criteria: Invitae Variant Classification Sherloc (09022015). Collection method: clinical testing. Allele origin: germline.
Comment: For these reasons, this variant has been classified as Pathogenic. This variant has not been reported in the literature in individuals affected with RARS2-related conditions. This variant is not present in population databases (gnomAD no frequency). This sequence change creates a premature translational stop signal (p.Ala213Glufs*7) in the RARS2 gene. It is expected to result in an absent or disrupted protein product. Loss-of-function variants in RARS2 are known to be pathogenic (PMID: 17847012, 22569581, 26083569).

Literature cited by the submitters: PubMed 17847012; PubMed 22569581; PubMed 26083569.